The following is an entry in ClinVar:

ClinVar aggregate classification (germline): Uncertain significance (1 of 4 stars; one submission).

gnomAD v4.1: 52 of 1,614,064 alleles (0.0032%); highest among the groups gnomAD compares: Middle Eastern, 0.049%; no homozygotes.

Submission:

Labcorp Genetics (formerly Invitae), Labcorp
Classification: Uncertain significance. Last evaluated: 2025-09-28. Review status: criteria provided, single submitter. Criteria: Invitae Variant Classification Sherloc (09022015). Collection method: clinical testing. Allele origin: germline.
Comment: This sequence change replaces alanine, which is neutral and non-polar, with threonine, which is neutral and polar, at codon 2498 of the FBN3 protein (p.Ala2498Thr). This variant is present in population databases (rs771469177, gnomAD 0.03%). This variant has not been reported in the literature in individuals affected with FBN3-related conditions. Invitae Evidence Modeling of protein sequence and biophysical properties (such as structural, functional, and spatial information, amino acid conservation, physicochemical variation, residue mobility, and thermodynamic stability) indicates that this missense variant is not expected to disrupt FBN3 protein function with a negative predictive value of 80%. In summary, the available evidence is currently insufficient to determine the role of this variant in disease. Therefore, it has been classified as a Variant of Uncertain Significance.

NM_032447.5(FBN3):c.7492G>A (p.Ala2498Thr)

Gene: FBN3 (fibrillin 3; minus strand). Cytogenetic location: 19p13.2.
Variant type: single nucleotide variant.
Coding change: c.7492G>A on transcript NM_032447.5 (MANE Select); coding-DNA position 7492, G replaced by A.
Protein change: p.Ala2498Thr; replaces alanine 2498 with threonine.
Molecular consequence: missense variant.
Genome position (GRCh38, 1-based): chr19:8,075,373, C>T on the plus strand (G>A on the coding strand, the complement: FBN3 is on the minus strand). VCF-style: chr19-8075373-C-T. GRCh37 (hg19) VCF-style: chr19-8140257-C-T.
Other names: c.7492G>A, p.Ala2498Thr (NM_001321431.2); short protein forms A2498T.
Identifiers: ClinVar variation 4691694 (VCV004691694.1).